The following is an entry in ClinVar:

ClinVar aggregate classification (germline): Conflicting classifications of pathogenicity. Review status: criteria provided, conflicting classifications (1 of 4 stars). 2 submissions from 2 submitters: Uncertain significance (1); Likely benign (1). Last evaluated 2026-06-03.

Conditions:
Hereditary cancer-predisposing syndrome. Also called: Neoplastic Syndromes, Hereditary; Tumor predisposition; Hereditary Cancer Syndrome; Hereditary neoplastic syndrome. Identifiers: Orphanet 140162, MedGen C0027672, MeSH D009386, MONDO:0015356.

Submissions (2):

Ambry Genetics
Classification: Likely benign for Hereditary cancer-predisposing syndrome. Last evaluated: 2026-06-03. Review status: criteria provided, single submitter. Criteria: Ambry Variant Classification Scheme 2023. Collection method: clinical testing. Allele origin: germline.

Color Diagnostics, LLC DBA Color Health
Classification: Uncertain significance for Hereditary cancer-predisposing syndrome. Last evaluated: 2025-03-03. Review status: criteria provided, single submitter. Criteria: ACMG Guidelines, 2015. Collection method: clinical testing. Allele origin: germline.
Comment: This missense variant replaces glutamine with arginine at codon 503 of the CDH1 protein. To our knowledge, functional studies have not been reported for this variant. This variant has not been reported in individuals affected with CDH1-related disorders in the literature. This variant has not been identified in the general population by the Genome Aggregation Database (gnomAD). The available evidence is insufficient to determine the role of this variant in disease conclusively. Therefore, this variant is classified as a Variant of Uncertain Significance.

NM_004360.5(CDH1):c.1508A>G (p.Gln503Arg)

Gene: CDH1 (cadherin 1; plus strand). Cytogenetic location: 16q22.1.
Variant type: single nucleotide variant.
Coding change: c.1508A>G on transcript NM_004360.5 (MANE Select); coding-DNA position 1508, A replaced by G.
Protein change: p.Gln503Arg; replaces glutamine 503 with arginine.
Molecular consequence: missense variant. On other transcripts: 5 prime UTR variant (2).
Genome position (GRCh38, 1-based): chr16:68,815,702, A>G. VCF-style: chr16-68815702-A-G. GRCh37 (hg19) VCF-style: chr16-68849605-A-G.
Other names: c.1325A>G, p.Gln442Arg (NM_001317184.2); c.-41A>G (NM_001317185.2); c.-312A>G (NM_001317186.2); short protein forms Q503R, Q442R.
Identifiers: ClinVar variation 1774119 (VCV001774119.4), dbSNP rs2152135058, ClinGen allele CA396463315.